The following is an entry in ClinVar:

ClinVar aggregate classification (germline): Conflicting classifications of pathogenicity. Review status: criteria provided, conflicting classifications (1 of 4 stars). 5 submissions from 5 submitters: Uncertain significance (3); Likely benign (2). Last evaluated 2026-08-31.

Conditions:
ALPK3-related disorder. Also called: ALPK3-related condition.
Cardiovascular phenotype. Identifiers: MedGen CN230736.

Allele frequency attached by ClinVar (database versions not stated): gnomAD exomes 0.00010; gnomAD 0.00004; ExAC 0.00006; TOPMed 0.00006.
gnomAD v4.1: 118 of 1,613,918 alleles (0.0073%); highest among the groups gnomAD compares: Non-Finnish European, 0.0061%; no homozygotes.

Submissions (5):

GeneDx
Classification: Uncertain significance. Last evaluated: 2026-08-31. Review status: criteria provided, single submitter. Criteria: GeneDx Variant Classification Process June 2021. Collection method: clinical testing. Allele origin: germline.
Comment: In silico analysis suggests that this missense variant does not alter protein structure/function; Has not been previously published as pathogenic or benign to our knowledge

Labcorp Genetics (formerly Invitae), Labcorp
Classification: Uncertain significance. Last evaluated: 2026-02-02. Review status: criteria provided, single submitter. Criteria: Invitae Variant Classification Sherloc (09022015). Collection method: clinical testing. Allele origin: germline.
Comment: This sequence change replaces glutamic acid, which is acidic and polar, with aspartic acid, which is acidic and polar, at codon 1566 of the ALPK3 protein (p.Glu1566Asp). This variant is present in population databases (rs778715401, gnomAD 0.1%). This variant has not been reported in the literature in individuals affected with ALPK3-related conditions. ClinVar contains an entry for this variant (Variation ID: 1303267). An algorithm developed to predict the effect of missense changes on protein structure and function (PolyPhen-2) suggests that this variant is likely to be tolerated. In summary, the available evidence is currently insufficient to determine the role of this variant in disease. Therefore, it has been classified as a Variant of Uncertain Significance.

PreventionGenetics, part of Exact Sciences
Classification: Uncertain significance for ALPK3-related condition. Last evaluated: 2026-01-27. Review status: criteria provided, single submitter. Criteria: ACMG Guidelines, 2015. Collection method: clinical testing. Allele origin: germline.
Comment: The ALPK3 c.4698G>C variant is predicted to result in the amino acid substitution p.Glu1566Asp. To our knowledge, this variant has not been reported in the literature. This variant is reported in 0.12% of alleles in individuals of Ashkenazi Jewish descent in gnomAD. Although we suspect that this variant may be benign, at this time, the clinical significance of this variant is uncertain due to the absence of conclusive functional and genetic evidence.

Ambry Genetics
Classification: Likely benign for Cardiovascular phenotype. Last evaluated: 2025-02-03. Review status: criteria provided, single submitter. Criteria: Ambry Variant Classification Scheme 2023. Collection method: clinical testing. Allele origin: germline.

Blueprint Genetics
Classification: Likely benign. Last evaluated: 2023-12-22. Review status: criteria provided, single submitter. Criteria: ACMG Guidelines, 2015. Collection method: clinical testing. Allele origin: germline.

NM_020778.5(ALPK3):c.4092G>C (p.Glu1364Asp)

Gene: ALPK3 (alpha kinase 3; plus strand). Cytogenetic location: 15q25.3.
Variant type: single nucleotide variant.
Coding change: c.4092G>C on transcript NM_020778.5 (MANE Select); coding-DNA position 4092, G replaced by C.
Protein change: p.Glu1364Asp; replaces glutamic acid 1364 with aspartic acid.
Molecular consequence: missense variant.
Genome position (GRCh38, 1-based): chr15:84,859,902, G>C. VCF-style: chr15-84859902-G-C. GRCh37 (hg19) VCF-style: chr15-85403133-G-C.
Other names: short protein forms E1364D.
Identifiers: ClinVar variation 1303267 (VCV001303267.13), dbSNP rs778715401, ClinGen allele CA7709831.